The following is an entry in ClinVar:

NM_000552.5(VWF):c.324-14_324-8delinsAAGTTCAGAGTCT

Gene: VWF (von Willebrand factor; minus strand). Cytogenetic location: 12p13.31.
Variant type: Indel.
Coding change: c.324-14_324-8delinsAAGTTCAGAGTCT on transcript NM_000552.5 (MANE Select); 14 bases into the intron before coding-DNA position 324 through 8 bases into the intron before coding-DNA position 324, CCTTTGC replaced by AAGTTCAGAGTCT.
Molecular consequence: intron variant.
Genome position (GRCh38, 1-based): chr12:6,110,590-6,110,596, GCAAAGG replaced by AGACTCTGAACTT on the plus strand (CCTTTGC replaced by AAGTTCAGAGTCT on the coding strand, the reverse complement: VWF is on the minus strand). VCF-style: chr12-6110590-GCAAAGG-AGACTCTGAACTT. GRCh37 (hg19) VCF-style: chr12-6219756-GCAAAGG-AGACTCTGAACTT.
Identifiers: ClinVar variation 1304220 (VCV001304220.2), dbSNP rs2136522349, ClinGen allele CA2573053743.

ClinVar aggregate classification (germline): Uncertain significance (1 of 4 stars; one submission).

Submission:

GeneDx
Classification: Uncertain significance. Last evaluated: 2020-11-03. Review status: criteria provided, single submitter. Criteria: GeneDx Variant Classification Process June 2021. Collection method: clinical testing. Allele origin: germline. Affected: yes.
Comment: Not observed in large population cohorts (Lek et al., 2016); In silico analysis supports a deleterious effect on splicing; Has not been previously published as pathogenic or benign to our knowledge